The following is an entry in ClinVar:

NM_000860.6(HPGD):c.*1154T>C

Gene: HPGD (15-hydroxyprostaglandin dehydrogenase; minus strand). Cytogenetic location: 4q34.1.
Variant type: single nucleotide variant.
Coding change: c.*1154T>C on transcript NM_000860.6 (MANE Select); 1154 bases downstream of the stop codon, T replaced by C.
Molecular consequence: 3 prime UTR variant.
Genome position (GRCh38, 1-based): chr4:174,490,802, A>G on the plus strand (T>C on the coding strand, the complement: HPGD is on the minus strand). VCF-style: chr4-174490802-A-G. GRCh37 (hg19) VCF-style: chr4-175411953-A-G.
Other names: c.*1254T>C (NM_001145816.3); c.*1154T>C (NM_001256301.1, NM_001256306.2, NM_001256307.2); c.*1282T>C (NM_001256305.2).
Identifiers: ClinVar variation 348180 (VCV000348180.6), dbSNP rs9312555, ClinGen allele CA10620466.
Genomic context (GRCh38, chr4:174,490,802, plus strand): 5'-CATGGAAAGATTTGGCTTCAAGCTGGGAGGTCTGGAGTTAGCAGACAGGATGAGTCACTT[A>G]TACGATATTTTTTTGAGAAAACGACTGATTTGGAAATCTTGTGCTTTCACTGTTACTAGT-3'

ClinVar aggregate classification (germline): Benign. Review status: criteria provided, multiple submitters, no conflicts (2 of 4 stars). 3 submissions from 2 submitters: Benign (3). Last evaluated 2018-01-12.

Conditions:
Hypertrophic osteoarthropathy, primary, autosomal recessive, 1 (PHOAR1). Also called: PHO, AUTOSOMAL RECESSIVE. Identifiers: Orphanet 1525, Orphanet 2796, MedGen C4551679, MONDO:0024546, OMIM 259100.
Isolated congenital digital clubbing. Also called: ACROPACHY, HEREDITARY; CLUBBING OF DIGITS. Identifiers: Orphanet 217059, MedGen C0345408, MONDO:0007343, OMIM 119900.

Allele frequency attached by ClinVar (database versions not stated): gnomAD exomes 0.11594; gnomAD 0.16796 and 0.17342; TOPMed 0.18277; 1000 Genomes Project 30x 0.23782; 1000 Genomes Project 0.24141.

Submissions (3):

Illumina Laboratory Services, Illumina
Classification: Benign for Isolated congenital digital clubbing. Last evaluated: 2018-01-12. Review status: criteria provided, single submitter. Criteria: ICSL Variant Classification Criteria 13 December 2019. Collection method: clinical testing. Allele origin: germline.
Comment: This variant was observed in the ICSL laboratory as part of a predisposition screen in an ostensibly healthy population. It had not been previously curated by ICSL or reported in the Human Gene Mutation Database (HGMD: prior to June 1st, 2018), and was therefore a candidate for classification through an automated scoring system. Utilizing variant allele frequency, disease prevalence and penetrance estimates, and inheritance mode, an automated score was calculated to assess if this variant is too frequent to cause the disease. Based on the score and internal cut-off values, a variant classified as benign is not then subjected to further curation. The score for this variant resulted in a classification of benign for this disease.

Illumina Laboratory Services, Illumina
Classification: Benign for Hypertrophic osteoarthropathy, primary, autosomal recessive, 1. Last evaluated: 2018-01-12. Review status: criteria provided, single submitter. Criteria: ICSL Variant Classification Criteria 13 December 2019. Collection method: clinical testing. Allele origin: germline.
Comment: the same text as in the submission from Illumina Laboratory Services, Illumina above.

Breakthrough Genomics
Classification: Benign. Review status: criteria provided, single submitter. Criteria: ACMG Guidelines, 2015. Collection method: not provided. Allele origin: germline. Inheritance: Autosomal recessive inheritance. Affected: yes.